The following is an entry in ClinVar:

NM_006662.3(SRCAP):c.7274C>A (p.Thr2425Lys)

Gene: SRCAP (Snf2 related CREBBP activator protein; plus strand). Cytogenetic location: 16p11.2.
Variant type: single nucleotide variant.
Coding change: c.7274C>A on transcript NM_006662.3 (MANE Select); coding-DNA position 7274, C replaced by A.
Protein change: p.Thr2425Lys; replaces threonine 2425 with lysine.
Molecular consequence: missense variant.
Genome position (GRCh38, 1-based): chr16:30,737,314, C>A. VCF-style: chr16-30737314-C-A. GRCh37 (hg19) VCF-style: chr16-30748635-C-A.
Other names: short protein forms T2425K.
Identifiers: ClinVar variation 1922548 (VCV001922548.5), dbSNP rs752328113, ClinGen allele CA8012451.

ClinVar aggregate classification (germline): Uncertain significance (1 of 4 stars; one submission).

Allele frequency attached by ClinVar (database versions not stated): ExAC 0.00001; gnomAD 0.00001; gnomAD exomes 0.00001; TOPMed 0.00002.
gnomAD v4.1: 6 of 1,614,030 alleles (0.00037%); highest among the groups gnomAD compares: African/African-American, 0.004%; no homozygotes.

Submission:

Labcorp Genetics (formerly Invitae), Labcorp
Classification: Uncertain significance. Last evaluated: 2025-06-12. Review status: criteria provided, single submitter. Criteria: Invitae Variant Classification Sherloc (09022015). Collection method: clinical testing. Allele origin: germline.
Comment: This sequence change replaces threonine, which is neutral and polar, with lysine, which is basic and polar, at codon 2425 of the SRCAP protein (p.Thr2425Lys). This variant is present in population databases (rs752328113, gnomAD 0.008%). This variant has not been reported in the literature in individuals affected with SRCAP-related conditions. ClinVar contains an entry for this variant (Variation ID: 1922548). Invitae Evidence Modeling of protein sequence and biophysical properties (such as structural, functional, and spatial information, amino acid conservation, physicochemical variation, residue mobility, and thermodynamic stability) indicates that this missense variant is not expected to disrupt SRCAP protein function with a negative predictive value of 80%. In summary, the available evidence is currently insufficient to determine the role of this variant in disease. Therefore, it has been classified as a Variant of Uncertain Significance.